The following is an entry in ClinVar:

ClinVar aggregate classification (germline): Likely benign (1 of 4 stars; one submission).

Conditions:
PROK2-related disorder. Also called: PROK2-related condition.

Submission:

PreventionGenetics, part of Exact Sciences
Classification: Likely benign for PROK2-related condition. Last evaluated: 2025-01-19. Review status: criteria provided, single submitter. Criteria: ACMG Guidelines, 2015. Collection method: clinical testing. Allele origin: germline.
Comment: This variant is classified as likely benign based on ACMG/AMP sequence variant interpretation guidelines (Richards et al. 2015 PMID: 25741868, with internal and published modifications).

NM_001126128.2(PROK2):c.93C>G (p.Thr31=)

Gene: PROK2 (prokineticin 2; minus strand). Cytogenetic location: 3p13.
Variant type: single nucleotide variant.
Coding change: c.93C>G on transcript NM_001126128.2 (MANE Select); coding-DNA position 93, C replaced by G.
Protein change: p.Thr31=; no amino-acid change (threonine 31 retained).
Molecular consequence: synonymous variant.
Genome position (GRCh38, 1-based): chr3:71,784,960, G>C on the plus strand (C>G on the coding strand, the complement: PROK2 is on the minus strand). VCF-style: chr3-71784960-G-C. GRCh37 (hg19) VCF-style: chr3-71834111-G-C.
Other names: c.93C>G, p.Thr31= (NM_021935.4).
Identifiers: ClinVar variation 5001976 (VCV005001976.1).
Genomic context (GRCh38, chr3:71,784,960, plus strand): 5'-CCCTGGGCACATCCCAGGCGCGCATCAGGGGCAGACAGGTGCGCCCGGGCCGCTTACCCC[G>C]GTGATCACGGCGGCGTCCCCAGCGCGGGGCGTGAGCAGCAGCGGCGGCAGCAGCAAGAGG-3'
Protein context (NP_001119600.1, residues 21-41): TPRAGDAAVI[Thr31=]GACDKDSQCG